The following is an entry in ClinVar:

NM_024334.3(TMEM43):c.332C>T (p.Pro111Leu)

Gene: TMEM43 (transmembrane protein 43; plus strand). Cytogenetic location: 3p25.1.
Variant type: single nucleotide variant.
Coding change: c.332C>T on transcript NM_024334.3 (MANE Select); coding-DNA position 332, C replaced by T.
Protein change: p.Pro111Leu; replaces proline 111 with leucine.
Molecular consequence: missense variant.
Genome position (GRCh38, 1-based): chr3:14,131,614, C>T. VCF-style: chr3-14131614-C-T. GRCh37 (hg19) VCF-style: chr3-14173114-C-T.
Other names: c.332C>T, p.Pro111Leu (NM_001407274.1, NM_001407275.1, NM_001407276.1 and 2 more transcripts); c.317C>T, p.Pro106Leu (NM_001407278.1); c.182C>T, p.Pro61Leu (NM_001407280.1); short protein forms P61L, P106L, P111L.
Identifiers: ClinVar variation 2196554 (VCV002196554.7), dbSNP rs765816901, ClinGen allele CA052957.
Genomic context (GRCh38, chr3:14,131,614, plus strand): 5'-TTTGGTTTCTTTGATTCTGTTTGAAGCTTTTGTCTGATCCAAACTATGGGGTCCATCTTC[C>T]GGCTGTGAAACTGCGGAGGCACGTGGAGATGTACCAATGGGTAGAAACTGAGGAGTCCAG-3'
Protein context (NP_077310.1, residues 101-121): LSDPNYGVHL[Pro111Leu]AVKLRRHVEM

ClinVar aggregate classification (germline): Uncertain significance. Review status: criteria provided, multiple submitters, no conflicts (2 of 4 stars). 4 submissions from 4 submitters: Uncertain significance (4). Last evaluated 2026-01-27.

Conditions:
Arrhythmogenic right ventricular dysplasia 5. Also called: Arrhythmogenic Right Ventricular Dysplasia/Cardiomyopathy 5; ARRHYTHMOGENIC RIGHT VENTRICULAR DYSPLASIA, FAMILIAL, 5. Identifiers: MedGen C1858379, MONDO:0011459, OMIM 604400.
Cardiomyopathy (CMYO). Also called: Cardiomyopathies. Identifiers: Orphanet 167848, MedGen C0878544, MONDO:0004994, HP:0001638. Inheritance: Various modes of inheritance.
TMEM43-related disorder. Also called: TMEM43-related condition.

Allele frequency attached by ClinVar (database versions not stated): ExAC 0.00001; gnomAD exomes 0.00001; TOPMed 0.00003.

Submissions (4):

Labcorp Genetics (formerly Invitae), Labcorp
Classification: Uncertain significance for Arrhythmogenic right ventricular dysplasia 5. Last evaluated: 2026-01-27. Review status: criteria provided, single submitter. Criteria: Invitae Variant Classification Sherloc (09022015). Collection method: clinical testing. Allele origin: germline.
Comment: This sequence change replaces proline, which is neutral and non-polar, with leucine, which is neutral and non-polar, at codon 111 of the TMEM43 protein (p.Pro111Leu). This variant is present in population databases (rs765816901, gnomAD 0.003%). This missense change has been observed in individual(s) with arrhythmogenic right ventricular cardiomyopathy (PMID: 24125834). ClinVar contains an entry for this variant (Variation ID: 2196554). Invitae Evidence Modeling of protein sequence and biophysical properties (such as structural, functional, and spatial information, amino acid conservation, physicochemical variation, residue mobility, and thermodynamic stability) indicates that this missense variant is not expected to disrupt TMEM43 protein function with a negative predictive value of 80%. Experimental studies have shown that this missense change affects TMEM43 function (PMID: 36076925). In summary, the available evidence is currently insufficient to determine the role of this variant in disease. Therefore, it has been classified as a Variant of Uncertain Significance.

Color Diagnostics, LLC DBA Color Health
Classification: Uncertain significance for Cardiomyopathy. Last evaluated: 2025-09-22. Review status: criteria provided, single submitter. Criteria: ACMG Guidelines, 2015. Collection method: clinical testing. Allele origin: germline.
Comment: This missense variant replaces proline with leucine at codon 111 of the TMEM43 protein. Computational prediction is inconclusive regarding the impact of this variant on protein structure and function. A functional study in transgenic zebrafish lines has shown that cardiac-restricted overexpression of the mutant protein, as well as the wild type protein, results in hypertrophied embryonic and adult hearts (PMID: 36076925). This variant has been reported in an individual affected with arrhythmogenic right ventricular cardiomyopathy (PMID: 24125834). This variant has been identified in 2/251274 chromosomes in the general population by the Genome Aggregation Database (gnomAD). The available evidence is insufficient to determine the role of this variant in disease conclusively. Therefore, this variant is classified as a Variant of Uncertain Significance.

PreventionGenetics, part of Exact Sciences
Classification: Uncertain significance for TMEM43-related condition. Last evaluated: 2024-11-26. Review status: criteria provided, single submitter. Criteria: ACMG Guidelines, 2015. Collection method: clinical testing. Allele origin: germline.
Comment: The TMEM43 c.332C>T variant is predicted to result in the amino acid substitution p.Pro111Leu. This variant was reported in an individual with Arrhythmogenic right ventricular cardiomyopathy (Table S3, Bao et al. 2013. PubMed ID: 24125834; Supplement, Ye et al. 2019. PubMed ID: 31402444). This variant is reported in 0.0033% of alleles in individuals of South Asian descent in gnomAD. At this time, the clinical significance of this variant is uncertain due to the absence of conclusive functional and genetic evidence.

All of Us Research Program, National Institutes of Health
Classification: Uncertain significance for Arrhythmogenic right ventricular dysplasia 5. Last evaluated: 2023-06-26. Review status: criteria provided, single submitter. Criteria: ACMG Guidelines, 2015. Collection method: clinical testing. Allele origin: germline. Inheritance: Autosomal dominant inheritance. Observed: 1 variant allele, 1 heterozygote.
Comment: This missense variant replaces proline with leucine at codon 111 of the TMEM43 protein. Computational prediction is inconclusive regarding the impact of this variant on protein structure and function (internally defined REVEL score threshold 0.5 < inconclusive < 0.7, PMID: 27666373). To our knowledge, functional studies have not been reported for this variant. This variant has not been reported in individuals affected with cardiovascular disorders in the literature. This variant has been identified in 2/251274 chromosomes in the general population by the Genome Aggregation Database (gnomAD). The available evidence is insufficient to determine the role of this variant in disease conclusively. Therefore, this variant is classified as a Variant of Uncertain Significance.

This study involves interpretation of variants in research participants for the purpose of population health screening. Participant phenotype was not available at the time of variant classification. Additional details can be found in publication PMID: 35346344, PMCID: PMC8962531

Literature cited by the submitters: PubMed 24125834 (cited by Labcorp Genetics (formerly Invitae), Labcorp and Color Diagnostics, LLC DBA Color Health); PubMed 36076925 (cited by Labcorp Genetics (formerly Invitae), Labcorp and Color Diagnostics, LLC DBA Color Health).